The following is an entry in ClinVar:

ClinVar aggregate classification (germline): Pathogenic (1 of 4 stars; one submission).

Submission:

CeGaT Center for Human Genetics Tuebingen
Classification: Pathogenic. Last evaluated: 2024-02-01. Review status: criteria provided, single submitter. Criteria: CeGaT Center For Human Genetics Tuebingen Variant Classification Criteria Version 2. Collection method: clinical testing. Allele origin: germline. Affected: yes. Observed: 4 variant alleles.
Comment: HID1: PP1:Strong, PVS1:Strong, PM2, PM3:Supporting

NM_030630.3(HID1):c.957dup (p.Gly320fs)

Gene: HID1 (HID1 domain containing; minus strand). Cytogenetic location: 17q25.1.
Variant type: Duplication.
Coding change: c.957dup on transcript NM_030630.3 (MANE Select); coding-DNA position 957, one base duplicated (A; older notation c.957dupA).
Protein change: p.Gly320fs; shifts the reading frame from glycine 320.
Molecular consequence: frameshift variant.
Genome position (GRCh38, 1-based): chr17:74,959,932, T duplicated on the plus strand (A on the coding strand, the reverse complement: HID1 is on the minus strand). VCF-style (leftmost placement, unchanged base first): chr17-74959931-C-CT. GRCh37 (hg19) VCF-style: chr17-72956026-C-CT.
Other names: short protein forms G320fs.
Identifiers: ClinVar variation 1298723 (VCV001298723.35), dbSNP rs2144812065, ClinGen allele CA2499224923.
Genomic context (GRCh38, chr17:74,959,931, plus strand): 5'-CTGGACTTGCCTCCTCACGATGGATGCGGGACAGGTAGTTCACAAACAGGTTCTCAGGGC[C>CT]TGGAGGCTGCCAAGAGGAGAAGCCCCTGGTGAGCAGGCGTCCTCCCCACAACCCGTGGCC-3'